The following is an entry in ClinVar:

NM_058179.4(PSAT1):c.592G>A (p.Ala198Thr)

Gene: PSAT1 (phosphoserine aminotransferase 1; plus strand). Cytogenetic location: 9q21.2.
Variant type: single nucleotide variant.
Coding change: c.592G>A on transcript NM_058179.4 (MANE Select); coding-DNA position 592, G replaced by A.
Protein change: p.Ala198Thr; replaces alanine 198 with threonine.
Molecular consequence: missense variant.
Genome position (GRCh38, 1-based): chr9:78,308,435, G>A. VCF-style: chr9-78308435-G-A. GRCh37 (hg19) VCF-style: chr9-80923351-G-A.
Other names: c.592G>A, p.Ala198Thr (NM_021154.5); short protein forms A198T.
Identifiers: ClinVar variation 2181045 (VCV002181045.1), dbSNP rs747134869, ClinGen allele CA373874025.

ClinVar aggregate classification (germline): Uncertain significance (1 of 4 stars; one submission).

Conditions:
Neu-Laxova syndrome 2. Identifiers: Orphanet 2671, Orphanet 583602, MedGen C4015019, MONDO:0014466, OMIM 616038.

gnomAD v4.1: 1 of 1,613,724 alleles (0.000062%); highest among the groups gnomAD compares: African/African-American, 0.0013%; no homozygotes.

Submission:

Labcorp Genetics (formerly Invitae), Labcorp
Classification: Uncertain significance for Neu-Laxova syndrome 2. Last evaluated: 2022-04-20. Review status: criteria provided, single submitter. Criteria: Invitae Variant Classification Sherloc (09022015). Collection method: clinical testing. Allele origin: germline.
Comment: This sequence change replaces alanine, which is neutral and non-polar, with threonine, which is neutral and polar, at codon 198 of the PSAT1 protein (p.Ala198Thr). This variant is not present in population databases (gnomAD no frequency). This variant has not been reported in the literature in individuals affected with PSAT1-related conditions. Algorithms developed to predict the effect of missense changes on protein structure and function are either unavailable or do not agree on the potential impact of this missense change (SIFT: "Deleterious"; PolyPhen-2: "Benign"; Align-GVGD: "Class C0"). In summary, the available evidence is currently insufficient to determine the role of this variant in disease. Therefore, it has been classified as a Variant of Uncertain Significance.